The following is an entry in ClinVar:

ClinVar aggregate classification (germline): Benign. Review status: criteria provided, multiple submitters, no conflicts (2 of 4 stars). 2 submissions from 2 submitters: Benign (2). Last evaluated 2018-06-14.

Allele frequency attached by ClinVar (database versions not stated): 1000 Genomes Project 0.11417; 1000 Genomes Project 30x 0.11779; ExAC 0.16767; ESP Exome Variant Server 0.18853; TOPMed 0.21267; gnomAD exomes 0.21534 and 0.28960; gnomAD 0.21935 and 0.22385.
gnomAD v4.1: 320,988 of 1,135,325 alleles (28%); highest among the groups gnomAD compares: Middle Eastern, 41%; 35,173 homozygotes.

Submissions (2):

GeneDx
Classification: Benign. Last evaluated: 2018-06-14. Review status: criteria provided, single submitter. Criteria: GeneDx Variant Classification (06012015). Collection method: clinical testing. Allele origin: germline. Affected: yes.
Comment: This variant is considered likely benign or benign based on one or more of the following criteria: it is a conservative change, it occurs at a poorly conserved position in the protein, it is predicted to be benign by multiple in silico algorithms, and/or has population frequency not consistent with disease.

Breakthrough Genomics
Classification: Benign. Review status: criteria provided, single submitter. Criteria: ACMG Guidelines, 2015. Collection method: not provided. Allele origin: germline. Inheritance: X-linked inheritance. Affected: yes.

NM_005120.3(MED12):c.1744+51A>G

Gene: MED12 (mediator complex subunit 12; plus strand). Cytogenetic location: Xq13.1.
Variant type: single nucleotide variant.
Coding change: c.1744+51A>G on transcript NM_005120.3 (MANE Select); 51 bases into the intron after coding-DNA position 1744, A replaced by G.
Molecular consequence: intron variant.
Genome position (GRCh38, 1-based): chrX:71,123,771, A>G. VCF-style: chrX-71123771-A-G. GRCh37 (hg19) VCF-style: chrX-70343621-A-G.
Identifiers: ClinVar variation 673346 (VCV000673346.2), dbSNP rs12841977, ClinGen allele CA10444240.
Genomic context (GRCh38, chrX:71,123,771, plus strand): 5'-CCCATGCTGAGTACGGACCCCTACCACTCTCTAGTTACCTCTGCCTAGACTCAGTTACCC[A>G]CCACTGTCATCAGAAAGCATAATTAACAGCCCTCTGGTCTATATTTCTCTCTTGGGCTCT-3'